The following is an entry in ClinVar:

ClinVar aggregate classification (germline): Pathogenic (1 of 4 stars; one submission).

Submission:

Labcorp Genetics (formerly Invitae), Labcorp
Classification: Pathogenic. Last evaluated: 2020-08-27. Review status: criteria provided, single submitter. Criteria: Invitae Variant Classification Sherloc (09022015). Collection method: clinical testing. Allele origin: germline.
Comment: This variant results in a copy number gain of the genomic region encompassing exons 57-60 of the USH2A gene. While the exact position of this variant cannot be determined from this data, sub-genic copy number gains are generally in tandem (PMID: 25640679) and may result in an absent or disrupted protein product. A similar copy number variant has been observed in individual(s) with USH2A-related conditions (PMID: 25649381, 29655801, Invitae). This variant is also known as 11048-?_11711+?dup in the literature. Loss-of-function variants in USH2A are known to be pathogenic (PMID: 10729113, 10909849, 20507924, 25649381). For these reasons, this variant has been classified as Pathogenic.

Literature cited by the submitters: PubMed 25640679; PubMed 25649381; PubMed 29655801; PubMed 10729113; PubMed 10909849; PubMed 20507924.

NC_000001.10:g.(?_215914697)_(215933205_?)dup

Gene: USH2A (usherin; minus strand). Cytogenetic location: 1q41.
Variant type: Duplication.
Identifiers: ClinVar variation 1070737 (VCV001070737.1).